The following is an entry in ClinVar:

ClinVar aggregate classification (germline): Uncertain significance (1 of 4 stars; one submission).

Conditions:
Neurofibromatosis, type 2 (SWNV). Also called: BILATERAL ACOUSTIC NEUROFIBROMATOSIS; NF2-Related Schwannomatosis; SCHWANNOMATOSIS, VESTIBULAR. Identifiers: Orphanet 637, MedGen C0027832, MONDO:0007039, OMIM 101000. Disease mechanism: loss of function.

gnomAD v4.1: 4 of 1,614,040 alleles (0.00025%); highest among the groups gnomAD compares: African/African-American, 0.0013%; no homozygotes.

Submission:

Labcorp Genetics (formerly Invitae), Labcorp
Classification: Uncertain significance for Neurofibromatosis, type 2. Last evaluated: 2025-09-17. Review status: criteria provided, single submitter. Criteria: Invitae Variant Classification Sherloc (09022015). Collection method: clinical testing. Allele origin: germline.
Comment: This sequence change replaces aspartic acid, which is acidic and polar, with histidine, which is basic and polar, at codon 201 of the NF2 protein (p.Asp201His). This variant is not present in population databases (gnomAD no frequency). This variant has not been reported in the literature in individuals affected with NF2-related conditions. An algorithm developed to predict the effect of missense changes on protein structure and function (PolyPhen-2) suggests that this variant is likely to be disruptive. In summary, the available evidence is currently insufficient to determine the role of this variant in disease. Therefore, it has been classified as a Variant of Uncertain Significance.

NM_000268.4(NF2):c.601G>C (p.Asp201His)

Gene: NF2 (NF2, moesin-ezrin-radixin like (MERLIN) tumor suppressor; plus strand). Cytogenetic location: 22q12.2.
Variant type: single nucleotide variant.
Coding change: c.601G>C on transcript NM_000268.4 (MANE Select); coding-DNA position 601, G replaced by C.
Protein change: p.Asp201His; replaces aspartic acid 201 with histidine.
Molecular consequence: missense variant. On other transcripts: intron variant (1).
Genome position (GRCh38, 1-based): chr22:29,658,190, G>C. VCF-style: chr22-29658190-G-C. GRCh37 (hg19) VCF-style: chr22-30054179-G-C.
Other names: c.487G>C, p.Asp163His (NM_001407053.1, NM_001407056.1); c.478G>C, p.Asp160His (NM_001407054.1, NM_001407058.1, NM_001407062.1 and 1 more transcripts); c.475G>C, p.Asp159His (NM_001407055.1, NM_181828.3); c.601G>C, p.Asp201His (NM_001407057.1, NM_001407059.1, NM_001407060.1 and 4 more transcripts); c.352G>C, p.Asp118His (NM_001407063.1, NM_001407064.1, NM_181830.3 and 1 more transcripts); c.67G>C, p.Asp23His (NM_001407065.1); c.370G>C, p.Asp124His (NM_001407067.1); c.447+15905G>C (NM_181833.3); short protein forms D160H, D124H, D163H, D23H, D118H, D159H, D201H.
Identifiers: ClinVar variation 4766405 (VCV004766405.1).
Genomic context (GRCh38, chr22:29,658,190, plus strand): 5'-ACCCGCTCTCCACCCATCTCACTTAGCTCCAATGACAGTGTCTTCCGTTCTCCCCACAGG[G>C]ATGAAGCTGAAATGGAATATCTGAAGATAGCTCAGGACCTGGAGATGTACGGTGTGAACT-3'
Protein context (NP_000259.1, residues 191-211): WYAEHRGRAR[Asp201His]EAEMEYLKIA